The following is an entry in ClinVar:

NM_015978.3(TNNI3K):c.1043G>A (p.Cys348Tyr)

Genes: FPGT-TNNI3K (FPGT-TNNI3K readthrough; plus strand), TNNI3K (TNNI3 interacting kinase; plus strand). Cytogenetic location: 1p31.1.
Variant type: single nucleotide variant.
Coding change: c.1043G>A on transcript NM_015978.3 (MANE Select); coding-DNA position 1043, G replaced by A.
Protein change: p.Cys348Tyr; replaces cysteine 348 with tyrosine.
Molecular consequence: missense variant.
Genome position (GRCh38, 1-based): chr1:74,353,995, G>A. VCF-style: chr1-74353995-G-A. GRCh37 (hg19) VCF-style: chr1-74819679-G-A.
Other names: c.1346G>A, p.Cys449Tyr (NM_001112808.3, NM_001199327.2); short protein forms C348Y, C449Y.
Identifiers: ClinVar variation 2744180 (VCV002744180.3), dbSNP rs1399004158, ClinGen allele CA340784062.

ClinVar aggregate classification (germline): Uncertain significance (1 of 4 stars; one submission).

Allele frequency attached by ClinVar (database versions not stated): TOPMed below 0.00001.
gnomAD v4.1: 3 of 1,613,650 alleles (0.00019%); highest among the groups gnomAD compares: Admixed American, 0.005%; no homozygotes.

Submission:

Labcorp Genetics (formerly Invitae), Labcorp
Classification: Uncertain significance. Last evaluated: 2023-08-25. Review status: criteria provided, single submitter. Criteria: Invitae Variant Classification Sherloc (09022015). Collection method: clinical testing. Allele origin: germline.
Comment: In summary, the available evidence is currently insufficient to determine the role of this variant in disease. Therefore, it has been classified as a Variant of Uncertain Significance. Advanced modeling of protein sequence and biophysical properties (such as structural, functional, and spatial information, amino acid conservation, physicochemical variation, residue mobility, and thermodynamic stability) has been performed at Invitae for this missense variant, however the output from this modeling did not meet the statistical confidence thresholds required to predict the impact of this variant on TNNI3K protein function. This variant has not been reported in the literature in individuals affected with TNNI3K-related conditions. This variant is present in population databases (no rsID available, gnomAD 0.009%). This sequence change replaces cysteine, which is neutral and slightly polar, with tyrosine, which is neutral and polar, at codon 348 of the TNNI3K protein (p.Cys348Tyr).